The following is an entry in ClinVar:

ClinVar aggregate classification (germline): Uncertain significance (1 of 4 stars; one submission).

gnomAD v4.1: 1 of 1,544,606 alleles (0.000065%); no homozygotes.

Submission:

Mayo Clinic Laboratories, Mayo Clinic
Classification: Uncertain significance. Last evaluated: 2025-09-29. Review status: criteria provided, single submitter. Criteria: ACMG Guidelines, 2015. Collection method: clinical testing. Allele origin: germline. Observed: 1 variant allele.
Comment: BP4_moderate, PM2_supporting

NM_001367624.2(ZNF469):c.2315G>C (p.Gly772Ala)

Gene: ZNF469 (zinc finger protein 469; plus strand). Cytogenetic location: 16q24.2.
Variant type: single nucleotide variant.
Coding change: c.2315G>C on transcript NM_001367624.2 (MANE Select); coding-DNA position 2315, G replaced by C.
Protein change: p.Gly772Ala; replaces glycine 772 with alanine.
Molecular consequence: missense variant.
Genome position (GRCh38, 1-based): chr16:88,429,785, G>C. VCF-style: chr16-88429785-G-C. GRCh37 (hg19) VCF-style: chr16-88496193-G-C.
Other names: p.Gly772Ala; short protein forms G772A.
Identifiers: ClinVar variation 4542055 (VCV004542055.1).